The following is an entry in ClinVar:

ClinVar aggregate classification (germline): Likely benign (1 of 4 stars; one submission).

Submission:

GeneDx
Classification: Likely benign. Last evaluated: 2016-03-29. Review status: criteria provided, single submitter. Criteria: GeneDx Variant Classification (06012015). Collection method: clinical testing. Allele origin: germline. Affected: yes.
Comment: This variant is considered likely benign or benign based on one or more of the following criteria: it is a conservative change, it occurs at a poorly conserved position in the protein, it is predicted to be benign by multiple in silico algorithms, and/or has population frequency not consistent with disease.

NM_000093.5(COL5A1):c.278-4C>A

Gene: COL5A1 (collagen type V alpha 1 chain; plus strand). Cytogenetic location: 9q34.3.
Variant type: single nucleotide variant.
Coding change: c.278-4C>A on transcript NM_000093.5 (MANE Select); 4 bases into the intron before coding-DNA position 278, C replaced by A.
Molecular consequence: intron variant.
Genome position (GRCh38, 1-based): chr9:134,699,905, C>A. VCF-style: chr9-134699905-C-A. GRCh37 (hg19) VCF-style: chr9-137591751-C-A.
Other names: c.278-4C>A (NM_001278074.1).
Identifiers: ClinVar variation 385174 (VCV000385174.1), dbSNP rs1057522143, ClinGen allele CA16605416.